The following is an entry in ClinVar:

ClinVar aggregate classification (germline): Uncertain significance (1 of 4 stars; one submission).

Conditions:
Immunodeficiency, common variable, 4. Also called: ANTIBODY DEFICIENCY DUE TO BAFFR DEFECT. Identifiers: Orphanet 1572, Orphanet 696925, MedGen C3150739, MONDO:0013284, OMIM 613494.

Allele frequency attached by ClinVar (database versions not stated): TOPMed 0.00002; gnomAD exomes below 0.00001; gnomAD 0.00002 and 0.00001.

Submission:

Labcorp Genetics (formerly Invitae), Labcorp
Classification: Uncertain significance for Immunodeficiency, common variable, 4. Last evaluated: 2025-09-10. Review status: criteria provided, single submitter. Criteria: Invitae Variant Classification Sherloc (09022015). Collection method: clinical testing. Allele origin: germline.
Comment: This sequence change replaces aspartic acid, which is acidic and polar, with glycine, which is neutral and non-polar, at codon 12 of the TNFRSF13C protein (p.Asp12Gly). This variant is not present in population databases (gnomAD no frequency). This variant has not been reported in the literature in individuals affected with TNFRSF13C-related conditions. ClinVar contains an entry for this variant (Variation ID: 1419262). An algorithm developed to predict the effect of missense changes on protein structure and function (PolyPhen-2) suggests that this variant is likely to be tolerated. In summary, the available evidence is currently insufficient to determine the role of this variant in disease. Therefore, it has been classified as a Variant of Uncertain Significance.

NM_052945.4(TNFRSF13C):c.35A>G (p.Asp12Gly)

Genes: TNFRSF13C (TNF receptor superfamily member 13C; minus strand), LOC130067574 (ATAC-STARR-seq lymphoblastoid silent region 13813; plus strand). Cytogenetic location: 22q13.2.
Variant type: single nucleotide variant.
Coding change: c.35A>G on transcript NM_052945.4 (MANE Select); coding-DNA position 35, A replaced by G.
Protein change: p.Asp12Gly; replaces aspartic acid 12 with glycine.
Molecular consequence: missense variant.
Genome position (GRCh38, 1-based): chr22:41,926,739, T>C on the plus strand (A>G on the coding strand, the complement: TNFRSF13C is on the minus strand). VCF-style: chr22-41926739-T-C. GRCh37 (hg19) VCF-style: chr22-42322743-T-C.
Other names: short protein forms D12G.
Identifiers: ClinVar variation 1419262 (VCV001419262.8), dbSNP rs1215819338, ClinGen allele CA411763862.